The following is an entry in ClinVar:

NM_017739.4(POMGNT1):c.1338G>A (p.Met446Ile)

Genes: POMGNT1 (protein O-linked mannose N-acetylglucosaminyltransferase 1 (beta 1,2-); minus strand), TSPAN1 (tetraspanin 1; plus strand). Cytogenetic location: 1p34.1.
Variant type: single nucleotide variant.
Coding change: c.1338G>A on transcript NM_017739.4 (MANE Select); coding-DNA position 1338, G replaced by A.
Protein change: p.Met446Ile; replaces methionine 446 with isoleucine.
Molecular consequence: missense variant.
Genome position (GRCh38, 1-based): chr1:46,192,383, C>T on the plus strand (G>A on the coding strand, the complement: POMGNT1 is on the minus strand). VCF-style: chr1-46192383-C-T. GRCh37 (hg19) VCF-style: chr1-46658055-C-T.
Other names: c.1338G>A, p.Met446Ile (NM_001243766.2, NM_001410783.1); c.1272G>A, p.Met424Ile (NM_001290129.3); c.909G>A, p.Met303Ile (NM_001290130.2); short protein forms M446I, M303I, M424I.
Identifiers: ClinVar variation 660207 (VCV000660207.11), dbSNP rs1571655190, ClinGen allele CA340175419.
Genomic context (GRCh38, chr1:46,192,383, plus strand): 5'-CCACTTGGGCTCAAGCTCCTCCTTGTACAAGGACCTCCTGAGCACCCAGCCCAGCCCAGG[C>T]ATGGTCTCCACACGGTACAGTAGTGCTGGGTCCTCAGCCGTGTGTTCATACCCCTGGGGA-3'
Protein context (NP_060209.4, residues 436-456): DPALLYRVET[Met446Ile]PGLGWVLRRS

ClinVar aggregate classification (germline): Uncertain significance (1 of 4 stars; one submission).

Conditions:
Autosomal recessive limb-girdle muscular dystrophy type 2O. Also called: Limb-Girdle Muscular Dystrophy Type 3C; MUSCULAR DYSTROPHY-DYSTROGLYCANOPATHY, LIMB-GIRDLE, POMGNT1-RELATED; MUSCULAR DYSTROPHY-DYSTROGLYCANOPATHY (LIMB-GIRDLE), TYPE C, 3. Identifiers: Orphanet 206564, MedGen C3150417, MONDO:0013161, OMIM 613157.
Muscular dystrophy-dystroglycanopathy (congenital with impaired intellectual development), type B, 3. Also called: Muscular dystrophy-dystroglycanopathy (congenital with intellectual disability), type B3; MUSCULAR DYSTROPHY, CONGENITAL, POMGNT1-RELATED. Identifiers: MedGen C3150412, MONDO:0013155, OMIM 613151.

Allele frequency attached by ClinVar (database versions not stated): gnomAD exomes below 0.00001.
gnomAD v4.1: 1 of 1,614,206 alleles (0.000062%); highest among the groups gnomAD compares: Admixed American, 0.0017%; no homozygotes.

Submission:

Labcorp Genetics (formerly Invitae), Labcorp
Classification: Uncertain significance for Autosomal recessive limb-girdle muscular dystrophy type 2O; Muscular dystrophy-dystroglycanopathy (congenital with impaired intellectual development), type B, 3. Last evaluated: 2022-06-01. Review status: criteria provided, single submitter. Criteria: Invitae Variant Classification Sherloc (09022015). Collection method: clinical testing. Allele origin: germline.
Comment: In summary, the available evidence is currently insufficient to determine the role of this variant in disease. Therefore, it has been classified as a Variant of Uncertain Significance. Advanced modeling of protein sequence and biophysical properties (such as structural, functional, and spatial information, amino acid conservation, physicochemical variation, residue mobility, and thermodynamic stability) performed at Invitae indicates that this missense variant is expected to disrupt POMGNT1 protein function. ClinVar contains an entry for this variant (Variation ID: 660207). This variant has not been reported in the literature in individuals affected with POMGNT1-related conditions. This variant is not present in population databases (gnomAD no frequency). This sequence change replaces methionine, which is neutral and non-polar, with isoleucine, which is neutral and non-polar, at codon 446 of the POMGNT1 protein (p.Met446Ile).